The following is an entry in ClinVar:

ClinVar aggregate classification (germline): Pathogenic. Review status: criteria provided, multiple submitters, no conflicts (2 of 4 stars). 2 submissions from 2 submitters: Pathogenic (2). Last evaluated 2025-11-24.

Conditions:
Exostoses, multiple, type 2 (EXT2). Also called: Hereditary Multiple Osteochondromatosis, Type II; EXOSTOSES, MULTIPLE, TYPE II. Identifiers: Orphanet 321, MedGen C1851413, MONDO:0007586, OMIM 133701.

Submissions (2):

Labcorp Genetics (formerly Invitae), Labcorp
Classification: Pathogenic for Exostoses, multiple, type 2. Last evaluated: 2025-11-24. Review status: criteria provided, single submitter. Criteria: Invitae Variant Classification Sherloc (09022015). Collection method: clinical testing. Allele origin: germline.
Comment: This sequence change affects a donor splice site in intron 6 of the EXT2 gene. It is expected to disrupt RNA splicing. Variants that disrupt the donor or acceptor splice site typically lead to a loss of protein function (PMID: 16199547), and loss-of-function variants in EXT2 are known to be pathogenic (PMID: 10679937, 19810120). This variant is not present in population databases (gnomAD no frequency). Disruption of this splice site has been observed in individual(s) with multiple osteochondromas (PMID: 19810120, 25468659, 29529714). This variant is also known as c.1178+1G>A. ClinVar contains an entry for this variant (Variation ID: 569134). Algorithms developed to predict the effect of sequence changes on RNA splicing suggest that this variant may disrupt the consensus splice site. For these reasons, this variant has been classified as Pathogenic.

GeneDx
Classification: Pathogenic. Last evaluated: 2025-08-15. Review status: criteria provided, single submitter. Criteria: GeneDx Variant Classification Process June 2021. Collection method: clinical testing. Allele origin: germline. Affected: yes.
Comment: Canonical splice site variant predicted to result in a null allele in a gene for which loss of function is a known mechanism of disease; Not observed at significant frequency in large population cohorts (gnomAD); This variant is associated with the following publications: (PMID: 25468659, 19810120, 29529714)

Literature cited by the submitters: PubMed 16199547 (cited by Labcorp Genetics (formerly Invitae), Labcorp); PubMed 10679937 (cited by Labcorp Genetics (formerly Invitae), Labcorp); PubMed 19810120 (cited by Labcorp Genetics (formerly Invitae), Labcorp); PubMed 25468659 (cited by Labcorp Genetics (formerly Invitae), Labcorp); PubMed 29529714 (cited by Labcorp Genetics (formerly Invitae), Labcorp).

NM_207122.2(EXT2):c.1079+1G>A

Gene: EXT2 (exostosin glycosyltransferase 2; plus strand). Cytogenetic location: 11p11.2.
Variant type: single nucleotide variant.
Coding change: c.1079+1G>A on transcript NM_207122.2 (MANE Select); the canonical splice donor site of the intron after coding-DNA position 1079, G replaced by A.
Molecular consequence: splice donor variant.
Genome position (GRCh38, 1-based): chr11:44,126,956, G>A. VCF-style: chr11-44126956-G-A. GRCh37 (hg19) VCF-style: chr11-44148506-G-A.
Other names: c.1079+1G>A (NM_001389630.1, NM_001178083.3, NM_001389628.1); c.1178+1G>A (NM_000401.3).
Identifiers: ClinVar variation 569134 (VCV000569134.10), dbSNP rs1369420640, ClinGen allele CA380169420.